The following is an entry in ClinVar:

NM_005263.5(GFI1):c.1189G>A (p.Gly397Ser)

Genes: GFI1 (growth factor independent 1 transcriptional repressor; minus strand), LOC129930930 (ATAC-STARR-seq lymphoblastoid active region 1314; plus strand). Cytogenetic location: 1p22.1.
Variant type: single nucleotide variant.
Coding change: c.1189G>A on transcript NM_005263.5 (MANE Select); coding-DNA position 1189, G replaced by A.
Protein change: p.Gly397Ser; replaces glycine 397 with serine.
Molecular consequence: missense variant.
Genome position (GRCh38, 1-based): chr1:92,476,109, C>T on the plus strand (G>A on the coding strand, the complement: GFI1 is on the minus strand). VCF-style: chr1-92476109-C-T. GRCh37 (hg19) VCF-style: chr1-92941666-C-T.
Other names: c.1189G>A, p.Gly397Ser (NM_001127215.3, NM_001127216.3); short protein forms G397S.
Identifiers: ClinVar variation 2777384 (VCV002777384.3), dbSNP rs747009263, ClinGen allele CA951227.

ClinVar aggregate classification (germline): Uncertain significance (1 of 4 stars; one submission).

Conditions:
Neutropenia, severe congenital, 2, autosomal dominant. Identifiers: Orphanet 486, MedGen C2751288, MONDO:0013139, OMIM 613107.

Allele frequency attached by ClinVar (database versions not stated): TOPMed below 0.00001; ExAC 0.00003.
gnomAD v4.1: 37 of 1,614,022 alleles (0.0023%); highest among the groups gnomAD compares: East Asian, 0.0067%; no homozygotes.

Submission:

Labcorp Genetics (formerly Invitae), Labcorp
Classification: Uncertain significance for Neutropenia, severe congenital, 2, autosomal dominant. Last evaluated: 2022-11-18. Review status: criteria provided, single submitter. Criteria: Invitae Variant Classification Sherloc (09022015). Collection method: clinical testing. Allele origin: germline.
Comment: In summary, the available evidence is currently insufficient to determine the role of this variant in disease. Therefore, it has been classified as a Variant of Uncertain Significance. Advanced modeling of protein sequence and biophysical properties (such as structural, functional, and spatial information, amino acid conservation, physicochemical variation, residue mobility, and thermodynamic stability) performed at Invitae indicates that this missense variant is not expected to disrupt GFI1 protein function. This variant has not been reported in the literature in individuals affected with GFI1-related conditions. This variant is present in population databases (rs747009263, gnomAD 0.004%). This sequence change replaces glycine, which is neutral and non-polar, with serine, which is neutral and polar, at codon 397 of the GFI1 protein (p.Gly397Ser).